The following is an entry in ClinVar:

NM_003331.5(TYK2):c.1255C>G (p.Leu419Val)

Gene: TYK2 (tyrosine kinase 2; minus strand). Cytogenetic location: 19p13.2.
Variant type: single nucleotide variant.
Coding change: c.1255C>G on transcript NM_003331.5 (MANE Select); coding-DNA position 1255, C replaced by G.
Protein change: p.Leu419Val; replaces leucine 419 with valine.
Molecular consequence: missense variant.
Genome position (GRCh38, 1-based): chr19:10,364,726, G>C on the plus strand (C>G on the coding strand, the complement: TYK2 is on the minus strand). VCF-style: chr19-10364726-G-C. GRCh37 (hg19) VCF-style: chr19-10475402-G-C.
Other names: short protein forms L419V.
Identifiers: ClinVar variation 937853 (VCV000937853.8), dbSNP rs1236600614, ClinGen allele CA404012967.

ClinVar aggregate classification (germline): Uncertain significance (1 of 4 stars; one submission).

Conditions:
Immunodeficiency 35 (IMD35). Also called: Susceptibility to infection due to TYK2 deficiency; TYK2 DEFICIENCY; HIES WITH ATYPICAL MYCOBACTERIOSIS, AUTOSOMAL RECESSIVE; HYPER-IgE SYNDROME WITH ATYPICAL MYCOBACTERIOSIS, AUTOSOMAL RECESSIVE. Identifiers: Orphanet 331226, MedGen C1969086, MONDO:0012682, OMIM 611521.

Submission:

Labcorp Genetics (formerly Invitae), Labcorp
Classification: Uncertain significance for Immunodeficiency 35. Last evaluated: 2019-06-15. Review status: criteria provided, single submitter. Criteria: Invitae Variant Classification Sherloc (09022015). Collection method: clinical testing. Allele origin: germline.
Comment: This variant is not present in population databases (ExAC no frequency). This sequence change replaces leucine with valine at codon 419 of the TYK2 protein (p.Leu419Val). The leucine residue is highly conserved and there is a small physicochemical difference between leucine and valine. This variant has not been reported in the literature in individuals with TYK2-related conditions. Algorithms developed to predict the effect of missense changes on protein structure and function are either unavailable or do not agree on the potential impact of this missense change (SIFT: "Deleterious"; PolyPhen-2: "Probably Damaging"; Align-GVGD: "Class C0"). In summary, the available evidence is currently insufficient to determine the role of this variant in disease. Therefore, it has been classified as a Variant of Uncertain Significance.